The following is an entry in ClinVar:

NM_017654.4(SAMD9):c.3684G>C (p.Met1228Ile)

Gene: SAMD9 (sterile alpha motif domain containing 9; minus strand). Cytogenetic location: 7q21.2.
Variant type: single nucleotide variant.
Coding change: c.3684G>C on transcript NM_017654.4 (MANE Select); coding-DNA position 3684, G replaced by C.
Protein change: p.Met1228Ile; replaces methionine 1228 with isoleucine.
Molecular consequence: missense variant.
Genome position (GRCh38, 1-based): chr7:93,102,414, C>G on the plus strand (G>C on the coding strand, the complement: SAMD9 is on the minus strand). VCF-style: chr7-93102414-C-G. GRCh37 (hg19) VCF-style: chr7-92731727-C-G.
Other names: c.3684G>C, p.Met1228Ile (NM_001193307.2); short protein forms M1228I.
Identifiers: ClinVar variation 1337820 (VCV001337820.7), dbSNP rs1374393583, ClinGen allele CA368183573.

ClinVar aggregate classification (germline): Uncertain significance. Review status: criteria provided, multiple submitters, no conflicts (2 of 4 stars). 3 submissions from 3 submitters: Uncertain significance (3). Last evaluated 2025-12-18.

Conditions:
Inborn genetic diseases. Identifiers: MedGen C0950123, MeSH D030342.

Allele frequency attached by ClinVar (database versions not stated): gnomAD exomes below 0.00001.

Submissions (3):

Ambry Genetics
Classification: Uncertain significance for Inborn genetic diseases. Last evaluated: 2025-12-18. Review status: criteria provided, single submitter. Criteria: Ambry Variant Classification Scheme 2023. Collection method: clinical testing. Allele origin: germline.
Comment: The p.M1228I variant (also known as c.3684G>C), located in coding exon 1 of the SAMD9 gene, results from a G to C substitution at nucleotide position 3684. The methionine at codon 1228 is replaced by isoleucine, an amino acid with highly similar properties. This amino acid position is conserved. In addition, this alteration is predicted to be tolerated by in silico analysis. Based on the available evidence, the clinical significance of this variant remains unclear.

Labcorp Genetics (formerly Invitae), Labcorp
Classification: Uncertain significance. Last evaluated: 2024-03-24. Review status: criteria provided, single submitter. Criteria: Invitae Variant Classification Sherloc (09022015). Collection method: clinical testing. Allele origin: germline.
Comment: This sequence change replaces methionine, which is neutral and non-polar, with isoleucine, which is neutral and non-polar, at codon 1228 of the SAMD9 protein (p.Met1228Ile). This variant is present in population databases (no rsID available, gnomAD 0.006%). This variant has not been reported in the literature in individuals affected with SAMD9-related conditions. ClinVar contains an entry for this variant (Variation ID: 1337820). Advanced modeling of protein sequence and biophysical properties (such as structural, functional, and spatial information, amino acid conservation, physicochemical variation, residue mobility, and thermodynamic stability) performed at Invitae indicates that this missense variant is not expected to disrupt SAMD9 protein function with a negative predictive value of 95%. In summary, the available evidence is currently insufficient to determine the role of this variant in disease. Therefore, it has been classified as a Variant of Uncertain Significance.

Genetic Services Laboratory, University of Chicago
Classification: Uncertain significance. Last evaluated: 2021-08-06. Review status: criteria provided, single submitter. Criteria: ACMG Guidelines, 2015. Collection method: clinical testing. Allele origin: germline. Affected: no.
Comment: DNA sequence analysis of the SAMD9 gene demonstrated a sequence change, c.3684G>C, in exon 3 that results in an amino acid change, p.Met1228Ile. This sequence change does not appear to have been previously described in patients with SAMD9-related disorders. This sequence change has been described in the gnomAD database in one individual from the east Asian sub population only (dbSNP rs1374393583). The p.Met1228Ile change affects a moderately conserved amino acid residue of the SAMD9 protein. The p.Met1228Ile substitution appears to be benign using several in-silico pathogenicity prediction tools (SIFT, PolyPhen2, Align GVGD, REVEL). Due to these contrasting evidences and the lack of functional studies, the clinical significance of the p.Met1228Ile change remains unknown at this time.